The following is an entry in ClinVar:

NM_000179.3(MSH6):c.3126A>C (p.Lys1042Asn)

Gene: MSH6 (mutS homolog 6; plus strand). Cytogenetic location: 2p16.3.
Variant type: single nucleotide variant.
Coding change: c.3126A>C on transcript NM_000179.3 (MANE Select); coding-DNA position 3126, A replaced by C.
Protein change: p.Lys1042Asn; replaces lysine 1042 with asparagine.
Molecular consequence: missense variant.
Genome position (GRCh38, 1-based): chr2:47,801,109, A>C. VCF-style: chr2-47801109-A-C. GRCh37 (hg19) VCF-style: chr2-48028248-A-C.
Other names: c.2736A>C, p.Lys912Asn (NM_001281492.2); c.2220A>C, p.Lys740Asn (NM_001281493.2, NM_001281494.2); short protein forms K1042N, K740N, K912N.
Identifiers: ClinVar variation 619582 (VCV000619582.3), dbSNP rs1558668218, ClinGen allele CA346756651.

ClinVar aggregate classification (germline): Likely benign (1 of 4 stars; one submission).

Conditions:
Lynch syndrome. Identifiers: Orphanet 144, MedGen C4552100, MONDO:0005835. Disease mechanism: loss of function.

Submission:

University of Washington Department of Laboratory Medicine, University of Washington
Classification: Likely benign for Lynch syndrome. Last evaluated: 2018-05-01. Review status: criteria provided, single submitter. Criteria: Shirts BH et al. (Am J Hum Genet 2018). Collection method: clinical testing. Allele origin: somatic. Affected: yes.
Comment: MSH6 NM_000179.2:c.3126A>C has a 1.8% probability of pathogenicity based on combining prior probability from public data with a likelihood ratio of 0.16 to 1, generated from evidence of seeing this as a somatic mutation in a tumor with loss of heterozygosity at the MSH6 locus. See Shirts et al 2018, PMID 29887214.